The following is an entry in ClinVar:

NM_001382430.1(AKT1):c.1112C>T (p.Thr371Met)

Gene: AKT1 (AKT serine/threonine kinase 1; minus strand). Cytogenetic location: 14q32.33.
Variant type: single nucleotide variant.
Coding change: c.1112C>T on transcript NM_001382430.1 (MANE Select); coding-DNA position 1112, C replaced by T.
Protein change: p.Thr371Met; replaces threonine 371 with methionine.
Molecular consequence: missense variant.
Genome position (GRCh38, 1-based): chr14:104,772,938, G>A on the plus strand (C>T on the coding strand, the complement: AKT1 is on the minus strand). VCF-style: chr14-104772938-G-A. GRCh37 (hg19) VCF-style: chr14-105239275-G-A.
Other names: c.1112C>T, p.Thr371Met (NM_001014431.2, NM_001014432.2, NM_001382431.1 and 3 more transcripts); short protein forms T371M.
Identifiers: ClinVar variation 840997 (VCV000840997.11), dbSNP rs781388586, ClinGen allele CA7374567.

ClinVar aggregate classification (germline): Uncertain significance. Review status: criteria provided, multiple submitters, no conflicts (2 of 4 stars). 2 submissions from 2 submitters: Uncertain significance (2). Last evaluated 2022-09-19.

Conditions:
Inborn genetic diseases. Identifiers: MedGen C0950123, MeSH D030342.
Cowden syndrome 6 (CWS6). Identifiers: Orphanet 201, MedGen C3554519, MONDO:0014048, OMIM 615109.

Allele frequency attached by ClinVar (database versions not stated): TOPMed 0.00001; ExAC 0.00002.
gnomAD v4.1: 18 of 1,613,868 alleles (0.0011%); highest among the groups gnomAD compares: African/African-American, 0.0027%; no homozygotes.

Submissions (2):

Labcorp Genetics (formerly Invitae), Labcorp
Classification: Uncertain significance for Cowden syndrome 6. Last evaluated: 2022-09-19. Review status: criteria provided, single submitter. Criteria: Invitae Variant Classification Sherloc (09022015). Collection method: clinical testing. Allele origin: germline.
Comment: This sequence change replaces threonine, which is neutral and polar, with methionine, which is neutral and non-polar, at codon 371 of the AKT1 protein (p.Thr371Met). The frequency data for this variant in the population databases is considered unreliable, as metrics indicate poor data quality at this position in the gnomAD database. This variant has not been reported in the literature in individuals affected with AKT1-related conditions. ClinVar contains an entry for this variant (Variation ID: 840997). Algorithms developed to predict the effect of missense changes on protein structure and function are either unavailable or do not agree on the potential impact of this missense change (SIFT: "Tolerated"; PolyPhen-2: "Possibly Damaging"; Align-GVGD: "Class C0"). In summary, the available evidence is currently insufficient to determine the role of this variant in disease. Therefore, it has been classified as a Variant of Uncertain Significance.

Ambry Genetics
Classification: Uncertain significance for Inborn genetic diseases. Last evaluated: 2021-07-16. Review status: criteria provided, single submitter. Criteria: Ambry Variant Classification Scheme 2023. Collection method: clinical testing. Allele origin: germline.
Comment: The p.T371M variant (also known as c.1112C>T), located in coding exon 10 of the AKT1 gene, results from a C to T substitution at nucleotide position 1112. The threonine at codon 371 is replaced by methionine, an amino acid with similar properties. This amino acid position is conserved. In addition, this alteration is predicted to be tolerated by in silico analysis. Since supporting evidence is limited at this time, the clinical significance of this alteration remains unclear.